The following is an entry in ClinVar:

ClinVar aggregate classification (germline): Benign/Likely benign. Review status: criteria provided, multiple submitters, no conflicts (2 of 4 stars). 6 submissions from 6 submitters: Benign (5); Likely benign (1). Last evaluated 2026-02-04.

Conditions:
Ehlers-Danlos syndrome (EDS). Identifiers: Orphanet 98249, MedGen C0013720, MONDO:0020066.
Cardiovascular phenotype. Identifiers: MedGen CN230736.

Allele frequency attached by ClinVar (database versions not stated): ESP Exome Variant Server 0.00159; gnomAD 0.00418 and 0.00513; TOPMed 0.00533; gnomAD exomes 0.00678 and 0.00305; ExAC 0.00715; 1000 Genomes Project 30x 0.01686; 1000 Genomes Project 0.01737.
gnomAD v4.1: 5,369 of 1,612,642 alleles (0.33%); highest among the groups gnomAD compares: East Asian, 7.3%; 156 homozygotes.

Submissions (6):

Labcorp Genetics (formerly Invitae), Labcorp
Classification: Benign. Last evaluated: 2026-02-04. Review status: criteria provided, single submitter. Criteria: Invitae Variant Classification Sherloc (09022015). Collection method: clinical testing. Allele origin: germline.

Women's Health and Genetics/Laboratory Corporation of America, LabCorp
Classification: Likely benign. Last evaluated: 2026-01-22. Review status: criteria provided, single submitter. Criteria: LabCorp Variant Classification Summary - May 2015. Collection method: clinical testing. Allele origin: germline.

Mayo Clinic Laboratories, Mayo Clinic
Classification: Benign. Last evaluated: 2024-08-21. Review status: criteria provided, single submitter. Criteria: ACMG Guidelines, 2015. Collection method: clinical testing. Allele origin: germline. Observed: 8 variant alleles.
Comment: BA1

GeneDx
Classification: Benign. Last evaluated: 2020-12-04. Review status: criteria provided, single submitter. Criteria: GeneDx Variant Classification Process June 2021. Collection method: clinical testing. Allele origin: germline. Affected: yes.

Genome Diagnostics Laboratory, The Hospital for Sick Children
Classification: Benign for Ehlers-Danlos syndrome. Last evaluated: 2020-07-10. Review status: criteria provided, single submitter. Criteria: ACMG Guidelines, 2015. Collection method: clinical testing. Allele origin: germline.

Ambry Genetics
Classification: Benign for Cardiovascular phenotype. Last evaluated: 2019-03-04. Review status: criteria provided, single submitter. Criteria: Ambry Variant Classification Scheme 2023. Collection method: clinical testing. Allele origin: germline.

NM_001365276.2(TNXB):c.6683T>A (p.Phe2228Tyr)

Gene: TNXB (tenascin XB; minus strand). Cytogenetic location: 6p21.33.
Variant type: single nucleotide variant.
Coding change: c.6683T>A on transcript NM_001365276.2 (MANE Select); coding-DNA position 6683, T replaced by A.
Protein change: p.Phe2228Tyr; replaces phenylalanine 2228 with tyrosine.
Molecular consequence: missense variant.
Genome position (GRCh38, 1-based): chr6:32,064,979, A>T on the plus strand (T>A on the coding strand, the complement: TNXB is on the minus strand). VCF-style: chr6-32064979-A-T. GRCh37 (hg19) VCF-style: chr6-32032756-A-T.
Other names: p.Phe2228Tyr; c.6683T>A, p.Phe2228Tyr (NM_019105.8); short protein forms F2228Y.
Identifiers: ClinVar variation 1179543 (VCV001179543.10), dbSNP rs3749960, ClinGen allele CA3734361.